The following is an entry in ClinVar:

ClinVar aggregate classification (germline): Uncertain significance (1 of 4 stars; one submission).

Conditions:
CHARGE syndrome (CHARGE). Also called: Hittner Hirsch Kreh syndrome; CHARGE ASSOCIATION--COLOBOMA, HEART ANOMALY, CHOANAL ATRESIA, RETARDATION, GENITAL AND EAR ANOMALIES; Coloboma, heart anomaly, choanal atresia, retardation, genital and ear anomalies; CHARGE association; Hall-Hittner syndrome. Identifiers: Orphanet 138, MedGen C0265354, MONDO:0008965.

Submission:

Labcorp Genetics (formerly Invitae), Labcorp
Classification: Uncertain significance for CHARGE syndrome. Last evaluated: 2024-03-10. Review status: criteria provided, single submitter. Criteria: Invitae Variant Classification Sherloc (09022015). Collection method: clinical testing. Allele origin: germline.
Comment: This sequence change replaces threonine, which is neutral and polar, with serine, which is neutral and polar, at codon 2828 of the CHD7 protein (p.Thr2828Ser). This variant is not present in population databases (gnomAD no frequency). This variant has not been reported in the literature in individuals affected with CHD7-related conditions. Advanced modeling of protein sequence and biophysical properties (such as structural, functional, and spatial information, amino acid conservation, physicochemical variation, residue mobility, and thermodynamic stability) performed at Invitae indicates that this missense variant is not expected to disrupt CHD7 protein function with a negative predictive value of 95%. In summary, the available evidence is currently insufficient to determine the role of this variant in disease. Therefore, it has been classified as a Variant of Uncertain Significance.

NM_017780.4(CHD7):c.8483C>G (p.Thr2828Ser)

Gene: CHD7 (chromodomain helicase DNA binding protein 7; plus strand). Cytogenetic location: 8q12.2.
Variant type: single nucleotide variant.
Coding change: c.8483C>G on transcript NM_017780.4 (MANE Select); coding-DNA position 8483, C replaced by G.
Protein change: p.Thr2828Ser; replaces threonine 2828 with serine.
Molecular consequence: missense variant.
Genome position (GRCh38, 1-based): chr8:60,865,422, C>G. VCF-style: chr8-60865422-C-G. GRCh37 (hg19) VCF-style: chr8-61777981-C-G.
Other names: c.2336C>G, p.Thr779Ser (NM_001316690.1); short protein forms T2828S, T779S.
Identifiers: ClinVar variation 3631235 (VCV003631235.2).